The following is an entry in ClinVar:

NM_004999.4(MYO6):c.*1785A>C

Gene: MYO6 (myosin VI; plus strand). Cytogenetic location: 6q14.1.
Variant type: single nucleotide variant.
Coding change: c.*1785A>C on transcript NM_004999.4 (MANE Select); 1785 bases downstream of the stop codon, A replaced by C.
Molecular consequence: 3 prime UTR variant. On other transcripts: non-coding transcript variant (1).
Genome position (GRCh38, 1-based): chr6:75,916,797, A>C. VCF-style: chr6-75916797-A-C. GRCh37 (hg19) VCF-style: chr6-76626514-A-C.
Other names: c.*1785A>C (NM_001300899.2, NM_001368136.1, NM_001368137.1 and 3 more transcripts).
Identifiers: ClinVar variation 358022 (VCV000358022.5), dbSNP rs139803503, ClinGen allele CA10622714.

ClinVar aggregate classification (germline): Conflicting classifications of pathogenicity. Review status: criteria provided, conflicting classifications (1 of 4 stars). 2 submissions from 1 submitter: Uncertain significance (1); Benign (1). Last evaluated 2018-01-13.

Conditions:
Autosomal recessive nonsyndromic hearing loss 37. Identifiers: Orphanet 90636, MedGen C1843028, MONDO:0011912, OMIM 607821.
Autosomal dominant nonsyndromic hearing loss 22. Also called: Autosomal dominant nonsyndromic deafness 22; DFNA 22. Identifiers: Orphanet 228012, MedGen C2931767, MONDO:0011660, OMIM 606346.

Allele frequency attached by ClinVar (database versions not stated): gnomAD 0.00090 and 0.00120; TOPMed 0.00123; 1000 Genomes Project 30x 0.00344; 1000 Genomes Project 0.00379.

Submissions (2):

Illumina Laboratory Services, Illumina
Classification: Benign for Autosomal dominant nonsyndromic hearing loss 22. Last evaluated: 2018-01-13. Review status: criteria provided, single submitter. Criteria: ICSL Variant Classification Criteria 13 December 2019. Collection method: clinical testing. Allele origin: germline.
Comment: This variant was observed in the ICSL laboratory as part of a predisposition screen in an ostensibly healthy population. It had not been previously curated by ICSL or reported in the Human Gene Mutation Database (HGMD: prior to June 1st, 2018), and was therefore a candidate for classification through an automated scoring system. Utilizing variant allele frequency, disease prevalence and penetrance estimates, and inheritance mode, an automated score was calculated to assess if this variant is too frequent to cause the disease. Based on the score and internal cut-off values, a variant classified as benign is not then subjected to further curation. The score for this variant resulted in a classification of benign for this disease.

Illumina Laboratory Services, Illumina
Classification: Uncertain significance for Autosomal recessive nonsyndromic hearing loss 37. Last evaluated: 2018-01-13. Review status: criteria provided, single submitter. Criteria: ICSL Variant Classification Criteria 13 December 2019. Collection method: clinical testing. Allele origin: germline.